The following is an entry in ClinVar:

NM_002047.4(GARS1):c.675G>A (p.Leu225=)

Gene: GARS1 (glycyl-tRNA synthetase 1; plus strand). Cytogenetic location: 7p14.3.
Variant type: single nucleotide variant.
Coding change: c.675G>A on transcript NM_002047.4 (MANE Select); coding-DNA position 675, G replaced by A.
Protein change: p.Leu225=; no amino-acid change (leucine 225 retained).
Molecular consequence: synonymous variant.
Genome position (GRCh38, 1-based): chr7:30,603,512, G>A. VCF-style: chr7-30603512-G-A. GRCh37 (hg19) VCF-style: chr7-30643128-G-A.
Other names: c.675G>A (NM_002047.3, LRG_243t1); c.513G>A, p.Leu171= (NM_001316772.1).
Identifiers: ClinVar variation 512406 (VCV000512406.15), dbSNP rs369203473, ClinGen allele CA4205780.
Genomic context (GRCh38, chr7:30,603,512, plus strand): 5'-TCCTTTTTCCCATTGATTGATATATGTCAACACTGTTCTTACAGCTCATTTACAGAAATT[G>A]ATGTCTGATAAGAAGTGTTCTGTCGAAAAGAAATCAGAAATGGAAAGTGTTTTGGCCCAG-3'
Protein context (NP_002038.2, residues 215-235): DHLLKAHLQK[Leu225=]MSDKKCSVEK

ClinVar aggregate classification (germline): Likely benign. Review status: criteria provided, multiple submitters, no conflicts (2 of 4 stars). 4 submissions from 4 submitters: Likely benign (4). Last evaluated 2025-10-16.

Conditions:
Charcot-Marie-Tooth disease type 2. Also called: Charcot-Marie-Tooth type 2. Identifiers: Orphanet 64746, MedGen C0270914, MONDO:0018993.
GARS1-related disorder. Also called: GARS1-related condition.

Allele frequency attached by ClinVar (database versions not stated): gnomAD 0.00030 and 0.00033; TOPMed 0.00030; 1000 Genomes Project 30x 0.00031; 1000 Genomes Project 0.00040; gnomAD exomes 0.00004 and 0.00006; ExAC 0.00006; ESP Exome Variant Server 0.00025.
gnomAD v4.1: 106 of 1,613,660 alleles (0.0066%); highest among the groups gnomAD compares: African/African-American, 0.12%; no homozygotes.

Submissions (4):

PreventionGenetics, part of Exact Sciences
Classification: Likely benign for GARS1-related condition. Last evaluated: 2025-10-16. Review status: criteria provided, single submitter. Criteria: ACMG Guidelines, 2015. Collection method: clinical testing. Allele origin: germline.
Comment: This variant is classified as likely benign based on ACMG/AMP sequence variant interpretation guidelines (Richards et al. 2015 PMID: 25741868, with internal and published modifications).

Labcorp Genetics (formerly Invitae), Labcorp
Classification: Likely benign for Charcot-Marie-Tooth disease type 2. Last evaluated: 2025-03-18. Review status: criteria provided, single submitter. Criteria: Invitae Variant Classification Sherloc (09022015). Collection method: clinical testing. Allele origin: germline.

Ambry Genetics
Classification: Likely benign. Last evaluated: 2019-07-11. Review status: criteria provided, single submitter. Criteria: Ambry Variant Classification Scheme 2023. Collection method: clinical testing. Allele origin: germline.

GeneDx
Classification: Likely benign. Last evaluated: 2017-10-12. Review status: criteria provided, single submitter. Criteria: GeneDx Variant Classification (06012015). Collection method: clinical testing. Allele origin: germline. Affected: yes.
Comment: This variant is considered likely benign or benign based on one or more of the following criteria: it is a conservative change, it occurs at a poorly conserved position in the protein, it is predicted to be benign by multiple in silico algorithms, and/or has population frequency not consistent with disease.